The following is an entry in ClinVar:

NM_018847.4(KLHL9):c.516T>C (p.Tyr172=)

Gene: KLHL9 (kelch like family member 9; minus strand). Cytogenetic location: 9p21.3.
Variant type: single nucleotide variant.
Coding change: c.516T>C on transcript NM_018847.4 (MANE Select); coding-DNA position 516, T replaced by C.
Protein change: p.Tyr172=; no amino-acid change (tyrosine 172 retained).
Molecular consequence: synonymous variant.
Genome position (GRCh38, 1-based): chr9:21,334,344, A>G on the plus strand (T>C on the coding strand, the complement: KLHL9 is on the minus strand). VCF-style: chr9-21334344-A-G. GRCh37 (hg19) VCF-style: chr9-21334343-A-G.
Identifiers: ClinVar variation 4780405 (VCV004780405.1).

ClinVar aggregate classification (germline): Uncertain significance (1 of 4 stars; one submission).

Submission:

Labcorp Genetics (formerly Invitae), Labcorp
Classification: Uncertain significance. Last evaluated: 2025-05-28. Review status: criteria provided, single submitter. Criteria: Invitae Variant Classification Sherloc (09022015). Collection method: clinical testing. Allele origin: germline.
Comment: This sequence change affects codon 172 of the KLHL9 mRNA. It is a 'silent' change, meaning that it does not change the encoded amino acid sequence of the KLHL9 protein. This variant is present in population databases (no rsID available, gnomAD 0.003%). This variant has not been reported in the literature in individuals affected with KLHL9-related conditions. In summary, the available evidence is currently insufficient to determine the role of this variant in disease. Therefore, it has been classified as a Variant of Uncertain Significance.